The following is an entry in ClinVar:

ClinVar aggregate classification (germline): Benign. Review status: criteria provided, multiple submitters, no conflicts (2 of 4 stars). 4 submissions from 4 submitters: Benign (3). 1 of the submissions does not count toward it. Last evaluated 2026-02-03.

Conditions:
VAC14-related disorder. Also called: VAC14-related condition.

Allele frequency attached by ClinVar (database versions not stated): gnomAD exomes 0.01205; ExAC 0.01409; gnomAD 0.04250 and 0.04569; TOPMed 0.04744; ESP Exome Variant Server 0.05117; 1000 Genomes Project 0.05192; 1000 Genomes Project 30x 0.05621.
gnomAD v4.1: 13,577 of 1,614,074 alleles (0.84%); highest among the groups gnomAD compares: African/African-American, 15%; 890 homozygotes.

Submissions (4):

Labcorp Genetics (formerly Invitae), Labcorp
Classification: Benign. Last evaluated: 2026-02-03. Review status: criteria provided, single submitter. Criteria: Invitae Variant Classification Sherloc (09022015). Collection method: clinical testing. Allele origin: germline.

GeneDx
Classification: Benign. Last evaluated: 2021-05-05. Review status: criteria provided, single submitter. Criteria: GeneDx Variant Classification Process June 2021. Collection method: clinical testing. Allele origin: germline. Affected: yes.

Breakthrough Genomics
Classification: Benign. Review status: criteria provided, single submitter. Criteria: ACMG Guidelines, 2015. Collection method: not provided. Allele origin: germline. Inheritance: Autosomal recessive inheritance. Affected: yes.

PreventionGenetics, part of Exact Sciences
Classification: Benign for VAC14-related condition. Last evaluated: 2019-12-24. Review status: no assertion criteria provided. Collection method: clinical testing. Allele origin: germline. Not counted in ClinVar's aggregate classification.
Comment: This variant is classified as benign based on ACMG/AMP sequence variant interpretation guidelines (Richards et al. 2015 PMID: 25741868, with internal and published modifications).

NM_018052.5(VAC14):c.1002C>T (p.Pro334=)

Gene: VAC14 (VAC14 component of PIKFYVE complex; minus strand). Cytogenetic location: 16q22.1.
Variant type: single nucleotide variant.
Coding change: c.1002C>T on transcript NM_018052.5 (MANE Select); coding-DNA position 1002, C replaced by T.
Protein change: p.Pro334=; no amino-acid change (proline 334 retained).
Molecular consequence: synonymous variant.
Genome position (GRCh38, 1-based): chr16:70,780,884, G>A on the plus strand (C>T on the coding strand, the complement: VAC14 is on the minus strand). VCF-style: chr16-70780884-G-A. GRCh37 (hg19) VCF-style: chr16-70814787-G-A.
Other names: c.300C>T, p.Pro100= (NM_001351157.2).
Identifiers: ClinVar variation 1265921 (VCV001265921.13), dbSNP rs16970545, ClinGen allele CA8147866.